The following is an entry in ClinVar:

NM_005912.3(MC4R):c.821A>G (p.Asn274Ser)

Gene: MC4R (melanocortin 4 receptor; minus strand). Cytogenetic location: 18q21.32.
Variant type: single nucleotide variant.
Coding change: c.821A>G on transcript NM_005912.3 (MANE Select); coding-DNA position 821, A replaced by G.
Protein change: p.Asn274Ser; replaces asparagine 274 with serine.
Molecular consequence: missense variant.
Genome position (GRCh38, 1-based): chr18:60,371,529, T>C on the plus strand (A>G on the coding strand, the complement: MC4R is on the minus strand). VCF-style: chr18-60371529-T-C. GRCh37 (hg19) VCF-style: chr18-58038762-T-C.
Other names: short protein forms N274S.
Identifiers: ClinVar variation 14324 (VCV000014324.42), dbSNP rs121913561, ClinGen allele CA210717.

ClinVar aggregate classification (germline): Conflicting classifications of pathogenicity. Review status: criteria provided, conflicting classifications (1 of 4 stars). 4 submissions from 4 submitters: Likely pathogenic (1); Uncertain significance (1). 2 of the submissions do not count toward it. Last evaluated 2022-01-01.

Conditions:
MC4R-related disorder. Also called: MC4R-related condition.
BODY MASS INDEX QUANTITATIVE TRAIT LOCUS 20 (BMIQ20). Also called: MELANOCORTIN 4 RECEPTOR DEFICIENCY; MC4R DEFICIENCY. Identifiers: MedGen C4759928, OMIM 618406.
Obesity. Also called: Obesity disorder. Identifiers: Orphanet 71529, MedGen C0028754, MeSH D009765, MONDO:0011122, HP:0001513.

Allele frequency attached by ClinVar (database versions not stated): TOPMed below 0.00001; gnomAD 0.00001; gnomAD exomes 0.00001; ExAC 0.00002.

Submissions (4):

CeGaT Center for Human Genetics Tuebingen
Classification: Likely pathogenic. Last evaluated: 2022-01-01. Review status: criteria provided, single submitter. Criteria: CeGaT Center For Human Genetics Tuebingen Variant Classification Criteria Version 2. Collection method: clinical testing. Allele origin: germline. Affected: yes. Observed: 4 variant alleles.

Illumina Laboratory Services, Illumina
Classification: Uncertain significance for Inherited obesity. Last evaluated: 2017-08-22. Review status: criteria provided, single submitter. Criteria: ICSL Variant Classification Criteria 13 December 2019. Collection method: clinical testing. Allele origin: germline.
Comment: This variant was observed as part of a predisposition screen in an ostensibly healthy population. A literature search was performed for the gene, cDNA change, and amino acid change (where applicable). Publications were found based on this search. However, the evidence from the literature, in combination with allele frequency data from public databases where available, was not sufficient to rule this variant in or out of causing disease. Therefore, this variant is classified as a variant of unknown significance.

PreventionGenetics, part of Exact Sciences
Classification: Uncertain significance for MC4R-related condition. Last evaluated: 2023-12-08. Review status: no assertion criteria provided. Collection method: clinical testing. Allele origin: germline. Not counted in ClinVar's aggregate classification.
Comment: The MC4R c.821A>G variant is predicted to result in the amino acid substitution p.Asn274Ser. This variant has been reported in multiple individuals with severe obesity (Mergen et al. 2001. PubMed ID: 11443223; Stutzmann et al. 2008. PubMed ID: 18559663; Reinehr et al. 2009. PubMed ID: 18997677; Yurtcu et al. 2009. PubMed ID: 19184404; Rouskas et al. 2012. PubMed ID: 22447289; Mühlhaus et al. 2012. PubMed ID: 22688572; Aykut et al. 2020. PubMed ID: 32185475); however, it has also been detected at least twice in control cohorts of non-obese individuals (Yurtcu et al. 2009. PubMed ID: 19184404; Rouskas et al. 2012. PubMed ID: 22447289). Moreover, in vitro studies have demonstrated that MC4R protein carrying the p.Asn274Ser variant has normal cell surface expression and ligand binding affinity comparable to wild type protein (Tao et al. 2003. PubMed ID: 12959994; Xiang et al. 2006. PubMed ID: 16752916). Additional experiments also found similar levels of cyclic AMP production and MAPK signaling pathway activation following stimulation by endogenous and synthetic receptor agonists (Tao et al. 2003. PubMed ID: 12959994; Xiang et al. 2006. PubMed ID: 16752916; He et al. 2014. PubMed ID: 25332687). This variant is reported in 0.0018% of alleles in individuals of European (Non-Finnish) descent in gnomAD. At this time, the clinical significance of this variant is uncertain due to the absence of conclusive functional and genetic evidence.

OMIM
Classification: Pathogenic for OBESITY (BMIQ20). Last evaluated: 2001-07-01. Review status: no assertion criteria provided. Collection method: literature only. Allele origin: germline. Not counted in ClinVar's aggregate classification.

Literature cited by the submitters: PubMed 22447289 (cited by Illumina Laboratory Services, Illumina); PubMed 19184404 (cited by Illumina Laboratory Services, Illumina); PubMed 12959994 (cited by Illumina Laboratory Services, Illumina); PubMed 26666384 (cited by Illumina Laboratory Services, Illumina); PubMed 16752916 (cited by Illumina Laboratory Services, Illumina); PubMed 18559663 (cited by Illumina Laboratory Services, Illumina); PubMed 25076858 (cited by Illumina Laboratory Services, Illumina); PubMed 25332687 (cited by Illumina Laboratory Services, Illumina); PubMed 17628007 (cited by Illumina Laboratory Services, Illumina); PubMed 22688572 (cited by Illumina Laboratory Services, Illumina); PubMed 25136332 (cited by Illumina Laboratory Services, Illumina); PubMed 18997677 (cited by Illumina Laboratory Services, Illumina); PubMed 11443223 (cited by Illumina Laboratory Services, Illumina and OMIM).